The following is an entry in ClinVar:

NM_002439.5(MSH3):c.2254-16T>G

Gene: MSH3 (mutS homolog 3; plus strand). Cytogenetic location: 5q14.1.
Variant type: single nucleotide variant.
Coding change: c.2254-16T>G on transcript NM_002439.5 (MANE Select); 16 bases into the intron before coding-DNA position 2254, T replaced by G.
Molecular consequence: intron variant.
Genome position (GRCh38, 1-based): chr5:80,775,678, T>G. VCF-style: chr5-80775678-T-G. GRCh37 (hg19) VCF-style: chr5-80071497-T-G.
Identifiers: ClinVar variation 1460652 (VCV001460652.8), dbSNP rs902614531, ClinGen allele CA121325802.

ClinVar aggregate classification (germline): Uncertain significance (1 of 4 stars; one submission).

Allele frequency attached by ClinVar (database versions not stated): TOPMed below 0.00001.

Submission:

Labcorp Genetics (formerly Invitae), Labcorp
Classification: Uncertain significance. Last evaluated: 2024-05-06. Review status: criteria provided, single submitter. Criteria: Invitae Variant Classification Sherloc (09022015). Collection method: clinical testing. Allele origin: germline.
Comment: This sequence change falls in intron 15 of the MSH3 gene. It does not directly change the encoded amino acid sequence of the MSH3 protein. This variant is not present in population databases (gnomAD no frequency). This variant has not been reported in the literature in individuals affected with MSH3-related conditions. ClinVar contains an entry for this variant (Variation ID: 1460652). Algorithms developed to predict the effect of sequence changes on RNA splicing suggest that this variant may disrupt the consensus splice site. In summary, the available evidence is currently insufficient to determine the role of this variant in disease. Therefore, it has been classified as a Variant of Uncertain Significance.